The following is an entry in ClinVar:

NM_000051.4(ATM):c.4085G>C (p.Ser1362Thr)

Gene: ATM (ATM serine/threonine kinase; plus strand). Cytogenetic location: 11q22.3.
Variant type: single nucleotide variant.
Coding change: c.4085G>C on transcript NM_000051.4 (MANE Select); coding-DNA position 4085, G replaced by C.
Protein change: p.Ser1362Thr; replaces serine 1362 with threonine.
Molecular consequence: missense variant.
Genome position (GRCh38, 1-based): chr11:108,287,691, G>C. VCF-style: chr11-108287691-G-C. GRCh37 (hg19) VCF-style: chr11-108158418-G-C.
Other names: c.4085G>C, p.Ser1362Thr (NM_001351834.2); short protein forms S1362T.
Identifiers: ClinVar variation 1737660 (VCV001737660.2), dbSNP rs923836140, ClinGen allele CA382528378.

ClinVar aggregate classification (germline): Uncertain significance (1 of 4 stars; one submission).

Conditions:
Hereditary cancer-predisposing syndrome. Also called: Neoplastic Syndromes, Hereditary; Tumor predisposition; Hereditary Cancer Syndrome; Hereditary neoplastic syndrome. Identifiers: Orphanet 140162, MedGen C0027672, MeSH D009386, MONDO:0015356.

Submission:

Ambry Genetics
Classification: Uncertain significance for Hereditary cancer-predisposing syndrome. Last evaluated: 2020-03-18. Review status: criteria provided, single submitter. Criteria: Ambry Variant Classification Scheme 2023. Collection method: clinical testing. Allele origin: germline.
Comment: The p.S1362T variant (also known as c.4085G>C), located in coding exon 26 of the ATM gene, results from a G to C substitution at nucleotide position 4085. The serine at codon 1362 is replaced by threonine, an amino acid with similar properties. This amino acid position is not well conserved in available vertebrate species. In addition, this alteration is predicted to be tolerated by in silico analysis. Since supporting evidence is limited at this time, the clinical significance of this alteration remains unclear.